The following is an entry in ClinVar:

ClinVar aggregate classification (germline): Uncertain significance. Review status: criteria provided, multiple submitters, no conflicts (2 of 4 stars). 2 submissions from 2 submitters: Uncertain significance (2). Last evaluated 2025-11-24.

Conditions:
Inborn genetic diseases. Identifiers: MedGen C0950123, MeSH D030342.

Allele frequency attached by ClinVar (database versions not stated): gnomAD 0.00004; ExAC 0.00005; TOPMed 0.00005.
gnomAD v4.1: 40 of 1,613,912 alleles (0.0025%); highest among the groups gnomAD compares: Middle Eastern, 0.016%; no homozygotes.

Submissions (2):

Labcorp Genetics (formerly Invitae), Labcorp
Classification: Uncertain significance. Last evaluated: 2025-11-24. Review status: criteria provided, single submitter. Criteria: Invitae Variant Classification Sherloc (09022015). Collection method: clinical testing. Allele origin: germline.
Comment: This sequence change replaces alanine, which is neutral and non-polar, with threonine, which is neutral and polar, at codon 2046 of the FAT1 protein (p.Ala2046Thr). This variant is present in population databases (rs770056983, gnomAD 0.01%). This variant has not been reported in the literature in individuals affected with FAT1-related conditions. ClinVar contains an entry for this variant (Variation ID: 2368397). Invitae Evidence Modeling of protein sequence and biophysical properties (such as structural, functional, and spatial information, amino acid conservation, physicochemical variation, residue mobility, and thermodynamic stability) indicates that this missense variant is not expected to disrupt FAT1 protein function with a negative predictive value of 80%. In summary, the available evidence is currently insufficient to determine the role of this variant in disease. Therefore, it has been classified as a Variant of Uncertain Significance.

Ambry Genetics
Classification: Uncertain significance for Inborn genetic diseases. Last evaluated: 2022-09-06. Review status: criteria provided, single submitter. Criteria: Ambry Variant Classification Scheme 2023. Collection method: clinical testing. Allele origin: germline.

NM_005245.4(FAT1):c.6136G>A (p.Ala2046Thr)

Gene: FAT1 (FAT atypical cadherin 1; minus strand). Cytogenetic location: 4q35.2.
Variant type: single nucleotide variant.
Coding change: c.6136G>A on transcript NM_005245.4 (MANE Select); coding-DNA position 6136, G replaced by A.
Protein change: p.Ala2046Thr; replaces alanine 2046 with threonine.
Molecular consequence: missense variant.
Genome position (GRCh38, 1-based): chr4:186,620,450, C>T on the plus strand (G>A on the coding strand, the complement: FAT1 is on the minus strand). VCF-style: chr4-186620450-C-T. GRCh37 (hg19) VCF-style: chr4-187541604-C-T.
Other names: short protein forms A2046T.
Identifiers: ClinVar variation 2368397 (VCV002368397.3), dbSNP rs770056983, ClinGen allele CA3166305.